The following is an entry in ClinVar:

NM_000340.2(SLC2A2):c.1432_1433del (p.Leu478fs)

Gene: SLC2A2 (solute carrier family 2 member 2; minus strand). Cytogenetic location: 3q26.2.
Variant type: Deletion.
Coding change: c.1432_1433del on transcript NM_000340.2 (MANE Select); coding-DNA positions 1432 to 1433, 2 bases deleted (CT; older notation c.1432_1433delCT).
Protein change: p.Leu478fs; shifts the reading frame from leucine 478.
Molecular consequence: frameshift variant.
Genome position (GRCh38, 1-based): chr3:170,998,045-170,998,046, AG deleted on the plus strand (CT on the coding strand, the reverse complement: SLC2A2 is on the minus strand). VCF-style (leftmost placement, unchanged base first): chr3-170998044-CAG-C. GRCh37 (hg19) VCF-style: chr3-170715833-CAG-C.
Other names: c.1075_1076del, p.Leu359fs (NM_001278658.2); c.913_914del, p.Leu305fs (NM_001278659.2); short protein forms L305fs, L359fs, L478fs.
Identifiers: ClinVar variation 4993297 (VCV004993297.1).

ClinVar aggregate classification (germline): Likely pathogenic (1 of 4 stars; one submission).

Conditions:
SLC2A2-related disorder. Also called: SLC2A2-related condition.

Submission:

PreventionGenetics, part of Exact Sciences
Classification: Likely pathogenic for SLC2A2-related condition. Last evaluated: 2026-01-26. Review status: criteria provided, single submitter. Criteria: ACMG Guidelines, 2015. Collection method: clinical testing. Allele origin: germline.
Comment: The SLC2A2 c.1432_1433delCT variant is predicted to result in a frameshift and premature protein termination (p.Leu478Valfs*5). To our knowledge, this variant has not been reported in the literature or in a large population database (gnomAD), indicating this variant is rare. This variant is located in the last exon (exon 11) of the gene. Downstream loss of function variants have been reported in association with Fanconi-Bickel syndrome [see for example, c.1469del (p.Lys490Serfs*24) in Pena et al. 2011. PubMed ID: 21271664). This variant is interpreted as likely pathogenic for autosomal recessive condition.